The following is an entry in ClinVar:

NM_005763.4(AASS):c.37G>C (p.Gly13Arg)

Gene: AASS (aminoadipate-semialdehyde synthase; minus strand). Cytogenetic location: 7q31.32.
Variant type: single nucleotide variant.
Coding change: c.37G>C on transcript NM_005763.4 (MANE Select); coding-DNA position 37, G replaced by C.
Protein change: p.Gly13Arg; replaces glycine 13 with arginine.
Molecular consequence: missense variant.
Genome position (GRCh38, 1-based): chr7:122,133,690, C>G on the plus strand (G>C on the coding strand, the complement: AASS is on the minus strand). VCF-style: chr7-122133690-C-G. GRCh37 (hg19) VCF-style: chr7-121773744-C-G.
Other names: short protein forms G13R.
Identifiers: ClinVar variation 715406 (VCV000715406.11), dbSNP rs149272323, ClinGen allele CA4458756.

ClinVar aggregate classification (germline): Likely benign. Review status: criteria provided, multiple submitters, no conflicts (2 of 4 stars). 2 submissions from 2 submitters: Likely benign (2). Last evaluated 2026-01-12.

Conditions:
AASS-related disorder. Also called: AASS-related condition.

Allele frequency attached by ClinVar (database versions not stated): 1000 Genomes Project 30x 0.00047; 1000 Genomes Project 0.00060; TOPMed 0.00080; gnomAD 0.00082 and 0.00085; ESP Exome Variant Server 0.00085; gnomAD exomes 0.00133; ExAC 0.00172.
gnomAD v4.1: 2,218 of 1,614,130 alleles (0.14%); highest among the groups gnomAD compares: Non-Finnish European, 0.16%; 3 homozygotes.

Submissions (2):

Labcorp Genetics (formerly Invitae), Labcorp
Classification: Likely benign. Last evaluated: 2026-01-12. Review status: criteria provided, single submitter. Criteria: Invitae Variant Classification Sherloc (09022015). Collection method: clinical testing. Allele origin: germline.

PreventionGenetics, part of Exact Sciences
Classification: Likely benign for AASS-related condition. Last evaluated: 2025-12-09. Review status: criteria provided, single submitter. Criteria: ACMG Guidelines, 2015. Collection method: clinical testing. Allele origin: germline.
Comment: This variant is classified as likely benign based on ACMG/AMP sequence variant interpretation guidelines (Richards et al. 2015 PMID: 25741868, with internal and published modifications).